The following is an entry in ClinVar:

NM_006030.4(CACNA2D2):c.1837C>G (p.Leu613Val)

Gene: CACNA2D2 (calcium voltage-gated channel auxiliary subunit alpha2delta 2; minus strand). Cytogenetic location: 3p21.31.
Variant type: single nucleotide variant.
Coding change: c.1837C>G on transcript NM_006030.4 (MANE Select); coding-DNA position 1837, C replaced by G.
Protein change: p.Leu613Val; replaces leucine 613 with valine.
Molecular consequence: missense variant.
Genome position (GRCh38, 1-based): chr3:50,375,817, G>C on the plus strand (C>G on the coding strand, the complement: CACNA2D2 is on the minus strand). VCF-style: chr3-50375817-G-C. GRCh37 (hg19) VCF-style: chr3-50413248-G-C.
Other names: c.1837C>G, p.Leu613Val (NM_001005505.3, NM_001174051.3, NM_001410768.1); c.1630C>G, p.Leu544Val (NM_001291101.1); short protein forms L613V, L544V.
Identifiers: ClinVar variation 2751064 (VCV002751064.3), dbSNP rs369541788, ClinGen allele CA352924011.

ClinVar aggregate classification (germline): Uncertain significance (1 of 4 stars; one submission).

Conditions:
Early-infantile DEE. Also called: Ohtahara syndrome; Early infantile epileptic encephalopathy; Early infantile epileptic encephalopathy with suppression bursts. Identifiers: Orphanet 1934, MedGen C0393706, MONDO:0800491.

Submission:

Labcorp Genetics (formerly Invitae), Labcorp
Classification: Uncertain significance for Early-infantile DEE. Last evaluated: 2023-11-11. Review status: criteria provided, single submitter. Criteria: Invitae Variant Classification Sherloc (09022015). Collection method: clinical testing. Allele origin: germline.
Comment: This sequence change replaces leucine, which is neutral and non-polar, with valine, which is neutral and non-polar, at codon 613 of the CACNA2D2 protein (p.Leu613Val). This variant is not present in population databases (gnomAD no frequency). This variant has not been reported in the literature in individuals affected with CACNA2D2-related conditions. An algorithm developed to predict the effect of missense changes on protein structure and function (PolyPhen-2) suggests that this variant is likely to be tolerated. In summary, the available evidence is currently insufficient to determine the role of this variant in disease. Therefore, it has been classified as a Variant of Uncertain Significance.